The following is an entry in ClinVar:

NM_014014.5(SNRNP200):c.2144A>G (p.His715Arg)

Gene: SNRNP200 (small nuclear ribonucleoprotein U5 subunit 200; minus strand). Cytogenetic location: 2q11.2.
Variant type: single nucleotide variant.
Coding change: c.2144A>G on transcript NM_014014.5 (MANE Select); coding-DNA position 2144, A replaced by G.
Protein change: p.His715Arg; replaces histidine 715 with arginine.
Molecular consequence: missense variant.
Genome position (GRCh38, 1-based): chr2:96,292,988, T>C on the plus strand (A>G on the coding strand, the complement: SNRNP200 is on the minus strand). VCF-style: chr2-96292988-T-C. GRCh37 (hg19) VCF-style: chr2-96958726-T-C.
Other names: short protein forms H715R.
Identifiers: ClinVar variation 2086519 (VCV002086519.4), dbSNP rs2467341670, ClinGen allele CA347678989.

ClinVar aggregate classification (germline): Uncertain significance (1 of 4 stars; one submission).

Allele frequency attached by ClinVar (database versions not stated): gnomAD exomes below 0.00001.
gnomAD v4.1: 1 of 1,614,198 alleles (0.000062%); highest among the groups gnomAD compares: Non-Finnish European, 0.000085%; no homozygotes.

Submission:

Labcorp Genetics (formerly Invitae), Labcorp
Classification: Uncertain significance. Last evaluated: 2022-05-29. Review status: criteria provided, single submitter. Criteria: Invitae Variant Classification Sherloc (09022015). Collection method: clinical testing. Allele origin: germline.
Comment: This variant is not present in population databases (gnomAD no frequency). This sequence change replaces histidine, which is basic and polar, with arginine, which is basic and polar, at codon 715 of the SNRNP200 protein (p.His715Arg). This variant has not been reported in the literature in individuals affected with SNRNP200-related conditions. Algorithms developed to predict the effect of missense changes on protein structure and function are either unavailable or do not agree on the potential impact of this missense change (SIFT: "Tolerated"; PolyPhen-2: "Possibly Damaging"; Align-GVGD: "Class C0"). In summary, the available evidence is currently insufficient to determine the role of this variant in disease. Therefore, it has been classified as a Variant of Uncertain Significance.